The following is an entry in ClinVar:

ClinVar aggregate classification (germline): Pathogenic (1 of 4 stars; one submission).

Submission:

Labcorp Genetics (formerly Invitae), Labcorp
Classification: Pathogenic. Last evaluated: 2021-07-27. Review status: criteria provided, single submitter. Criteria: Invitae Variant Classification Sherloc (09022015). Collection method: clinical testing. Allele origin: germline.
Comment: For these reasons, this variant has been classified as Pathogenic. This variant has not been reported in the literature in individuals affected with PROM1-related conditions. This variant is a gross deletion of the genomic region encompassing exon(s) 15-16 of the PROM1 gene. This deletion is out-of-frame, and is expected to create a premature translational stop signal and result in an absent or disrupted protein product. Loss-of-function variants in PROM1 are known to be pathogenic (PMID: 17605048, 19718270, 24154662, 25474345).

Literature cited by the submitters: PubMed 17605048; PubMed 19718270; PubMed 24154662; PubMed 25474345.

NC_000004.11:g.(?_15993851)_(15995714_?)del

Gene: PROM1 (prominin 1; minus strand). Cytogenetic location: 4p15.32.
Variant type: Deletion.
Identifiers: ClinVar variation 1387526 (VCV001387526.4).